The following is an entry in ClinVar:

NM_000071.3(CBS):c.637G>A (p.Glu213Lys)

Gene: CBS (cystathionine beta-synthase; minus strand). Cytogenetic location: 21q22.3.
Variant type: single nucleotide variant.
Coding change: c.637G>A on transcript NM_000071.3 (MANE Select); coding-DNA position 637, G replaced by A.
Protein change: p.Glu213Lys; replaces glutamic acid 213 with lysine.
Molecular consequence: missense variant.
Genome position (GRCh38, 1-based): chr21:43,065,416, C>T on the plus strand (G>A on the coding strand, the complement: CBS is on the minus strand). VCF-style: chr21-43065416-C-T. GRCh37 (hg19) VCF-style: chr21-44485526-C-T.
Other names: c.637G>A, p.Glu213Lys (NM_001178008.3, NM_001178009.3, NM_001320298.2); c.322G>A, p.Glu108Lys (NM_001321072.1); short protein forms E213K, E108K.
Identifiers: ClinVar variation 809290 (VCV000809290.52), dbSNP rs758703098, ClinGen allele CA321095865.

ClinVar aggregate classification (germline): Uncertain significance. Review status: criteria provided, multiple submitters, no conflicts (2 of 4 stars). 5 submissions from 5 submitters: Uncertain significance (5). Last evaluated 2024-03-14.

Conditions:
Familial thoracic aortic aneurysm and aortic dissection (TAAD). Also called: Thoracic aortic aneurysms and dissections. Identifiers: Orphanet 91387, MedGen C4707243, MONDO:0019625.
HYPERHOMOCYSTEINEMIA, THROMBOTIC, CBS-RELATED. Identifiers: MedGen C3150344, OMIM 236200.

Allele frequency attached by ClinVar (database versions not stated): gnomAD exomes 0.00002; TOPMed 0.00002; ExAC 0.00004.

Submissions (5):

Ambry Genetics
Classification: Uncertain significance for Familial thoracic aortic aneurysm and aortic dissection. Last evaluated: 2024-03-14. Review status: criteria provided, single submitter. Criteria: Ambry Variant Classification Scheme 2023. Collection method: clinical testing. Allele origin: germline.
Comment: The p.E213K variant (also known as c.637G>A), located in coding exon 5 of the CBS gene, results from a G to A substitution at nucleotide position 637. The glutamic acid at codon 213 is replaced by lysine, an amino acid with similar properties. This alteration has been reported in a cohort of subjects with CBS-related disease (Sun S et al. Genome Med, 2020 Jan;12:13). This amino acid position is highly conserved in available vertebrate species. In addition, this alteration is predicted to be deleterious by in silico analysis. Based on the available evidence, the clinical significance of this alteration remains unclear.

Blueprint Genetics
Classification: Uncertain significance. Last evaluated: 2023-03-29. Review status: criteria provided, single submitter. Criteria: ACMG Guidelines, 2015. Collection method: clinical testing. Allele origin: germline.

Labcorp Genetics (formerly Invitae), Labcorp
Classification: Uncertain significance for HYPERHOMOCYSTEINEMIA, THROMBOTIC, CBS-RELATED. Last evaluated: 2021-08-27. Review status: criteria provided, single submitter. Criteria: Invitae Variant Classification Sherloc (09022015). Collection method: clinical testing. Allele origin: germline.
Comment: This sequence change replaces glutamic acid with lysine at codon 213 of the CBS protein (p.Glu213Lys). The glutamic acid residue is moderately conserved and there is a small physicochemical difference between glutamic acid and lysine. This variant is present in population databases (rs758703098, ExAC 0.008%). This variant has not been reported in the literature in individuals affected with CBS-related conditions. Algorithms developed to predict the effect of missense changes on protein structure and function (SIFT, PolyPhen-2, Align-GVGD) all suggest that this variant is likely to be tolerated. In summary, the available evidence is currently insufficient to determine the role of this variant in disease. Therefore, it has been classified as a Variant of Uncertain Significance.

Mayo Clinic Laboratories, Mayo Clinic
Classification: Uncertain significance. Last evaluated: 2020-09-25. Review status: criteria provided, single submitter. Criteria: ACMG Guidelines, 2015. Collection method: clinical testing. Allele origin: germline. Observed: 1 variant allele.

CeGaT Center for Human Genetics Tuebingen
Classification: Uncertain significance. Last evaluated: 2019-01-01. Review status: criteria provided, single submitter. Criteria: CeGaT Center For Human Genetics Tuebingen Variant Classification Criteria Version 2. Collection method: clinical testing. Allele origin: germline. Affected: yes. Observed: 1 variant allele.

Literature cited by the submitters: PubMed 32000841 (cited by Ambry Genetics).